The following is an entry in ClinVar:

NM_000257.4(MYH7):c.5594A>C (p.Gln1865Pro)

Gene: MYH7 (myosin heavy chain 7; minus strand). Cytogenetic location: 14q11.2.
Variant type: single nucleotide variant.
Coding change: c.5594A>C on transcript NM_000257.4 (MANE Select); coding-DNA position 5594, A replaced by C.
Protein change: p.Gln1865Pro; replaces glutamine 1865 with proline.
Molecular consequence: missense variant.
Genome position (GRCh38, 1-based): chr14:23,414,068, T>G on the plus strand (A>C on the coding strand, the complement: MYH7 is on the minus strand). VCF-style: chr14-23414068-T-G. GRCh37 (hg19) VCF-style: chr14-23883277-T-G.
Other names: short protein forms Q1865P.
Identifiers: ClinVar variation 656887 (VCV000656887.10), dbSNP rs1595070747, ClinGen allele CA389034908.

ClinVar aggregate classification (germline): Pathogenic (1 of 4 stars; one submission).

Conditions:
Hypertrophic cardiomyopathy. Also called: HYPERTROPHIC MYOCARDIOPATHY. Identifiers: Orphanet 217569, MedGen C0007194, MeSH D002312, MONDO:0005045, HP:0001639.

Submission:

Labcorp Genetics (formerly Invitae), Labcorp
Classification: Pathogenic for Hypertrophic cardiomyopathy. Last evaluated: 2022-11-01. Review status: criteria provided, single submitter. Criteria: Invitae Variant Classification Sherloc (09022015). Collection method: clinical testing. Allele origin: germline.
Comment: Advanced modeling of protein sequence and biophysical properties (such as structural, functional, and spatial information, amino acid conservation, physicochemical variation, residue mobility, and thermodynamic stability) performed at Invitae indicates that this missense variant is expected to disrupt MYH7 protein function. For these reasons, this variant has been classified as Pathogenic. ClinVar contains an entry for this variant (Variation ID: 656887). This missense change has been observed in individual(s) with clinical features of MYH7-related conditions (Invitae). In at least one individual the variant was observed to be de novo. This variant is not present in population databases (gnomAD no frequency). This sequence change replaces glutamine, which is neutral and polar, with proline, which is neutral and non-polar, at codon 1865 of the MYH7 protein (p.Gln1865Pro).